The following is an entry in ClinVar:

ClinVar aggregate classification (germline): Uncertain significance. Review status: criteria provided, multiple submitters, no conflicts (2 of 4 stars). 2 submissions from 2 submitters: Uncertain significance (2). Last evaluated 2022-06-01.

Conditions:
Inborn genetic diseases. Identifiers: MedGen C0950123, MeSH D030342.

Allele frequency attached by ClinVar (database versions not stated): gnomAD 0.00001; TOPMed 0.00001.
gnomAD v4.1: 2 of 1,612,846 alleles (0.00012%); highest among the groups gnomAD compares: Admixed American, 0.0033%; no homozygotes.

Submissions (2):

GeneDx
Classification: Uncertain significance. Last evaluated: 2022-06-01. Review status: criteria provided, single submitter. Criteria: GeneDx Variant Classification Process June 2021. Collection method: clinical testing. Allele origin: germline. Affected: yes.
Comment: Not observed at significant frequency in large population cohorts (gnomAD); In silico analysis supports that this missense variant has a deleterious effect on protein structure/function; Has not been previously published as pathogenic or benign to our knowledge

Ambry Genetics
Classification: Uncertain significance for Inborn genetic diseases. Last evaluated: 2022-04-27. Review status: criteria provided, single submitter. Criteria: Ambry Variant Classification Scheme 2023. Collection method: clinical testing. Allele origin: germline.

NM_001395656.1(ROBO2):c.950C>A (p.Pro317His)

Gene: ROBO2 (roundabout guidance receptor 2; plus strand). Cytogenetic location: 3p12.3.
Variant type: single nucleotide variant.
Coding change: c.950C>A on transcript NM_001395656.1 (MANE Select); coding-DNA position 950, C replaced by A.
Protein change: p.Pro317His; replaces proline 317 with histidine.
Molecular consequence: missense variant. On other transcripts: 5 prime UTR variant (1).
Genome position (GRCh38, 1-based): chr3:77,546,341, C>A. VCF-style: chr3-77546341-C-A. GRCh37 (hg19) VCF-style: chr3-77595492-C-A.
Other names: c.986C>A, p.Pro329His (NM_001128929.3); c.950C>A, p.Pro317His (NM_001290039.2, NM_001290040.2, NM_001378202.1); c.-981C>A (NM_001290065.2); c.998C>A, p.Pro333His (NM_001378190.1, NM_001378191.1, NM_001378195.1 and 4 more transcripts); c.1019C>A, p.Pro340His (NM_001378192.1, NM_001378194.1, NM_001378198.1 and 2 more transcripts); c.938C>A, p.Pro313His (NM_001378193.1, NM_001378197.1, NM_002942.5); c.1007C>A, p.Pro336His (NM_001394212.1, NM_001394214.1, NM_001395657.1); short protein forms P313H, P317H, P329H, P333H, P336H, P340H.
Identifiers: ClinVar variation 1802057 (VCV001802057.4), dbSNP rs761239340, ClinGen allele CA353575641.
Genomic context (GRCh38, chr3:77,546,341, plus strand): 5'-ATATTTTTATTTGTCTATGGTTGATATTTACACGCTTTCTTTTCTTTTAAATTATAGCTC[C>A]CCCACAGTTTGTGGTTCGGCCAAGAGATCAGATTGTTGCTCAAGGTCGAACAGTGACATT-3'
Protein context (NP_001382585.1, residues 307-327): TLTVRARPVA[Pro317His]PQFVVRPRDQ